The following is an entry in ClinVar:

ClinVar aggregate classification (germline): Pathogenic. Review status: criteria provided, multiple submitters, no conflicts (2 of 4 stars). 4 submissions from 4 submitters: Pathogenic (3). 1 of the submissions does not count toward it. Last evaluated 2021-12-21.

Conditions:
COL4A5-related disorder. Also called: COL4A5-related condition.
X-linked Alport syndrome (ATS1). Also called: COL4A5-Related Nephropathy; NEPHROPATHY AND DEAFNESS, X-LINKED. Identifiers: Orphanet 63, Orphanet 88917, MedGen C4746986, MONDO:0010520, OMIM 301050.

Submissions (4):

Fulgent Genetics
Classification: Pathogenic for X-linked Alport syndrome. Last evaluated: 2021-12-21. Review status: criteria provided, single submitter. Criteria: ACMG Guidelines, 2015. Collection method: clinical testing. Allele origin: unknown.

Labcorp Genetics (formerly Invitae), Labcorp
Classification: Pathogenic. Last evaluated: 2021-08-04. Review status: criteria provided, single submitter. Criteria: Invitae Variant Classification Sherloc (09022015). Collection method: clinical testing. Allele origin: germline.
Comment: This sequence change replaces glycine with valine at codon 1066 of the COL4A5 protein (p.Gly1066Val). The glycine residue is highly conserved and there is a moderate physicochemical difference between glycine and valine. This variant is not present in population databases (ExAC no frequency). This variant has not been reported in the literature in individuals with COL4A5-related conditions. ClinVar contains an entry for this variant (Variation ID: 804587). Advanced modeling of protein sequence and biophysical properties (such as structural, functional, and spatial information, amino acid conservation, physicochemical variation, residue mobility, and thermodynamic stability) performed at Invitae indicates that this missense variant is expected to disrupt COL4A5 protein function. This variant disrupts the p.Gly1066 amino acid residue in COL4A5. Other variant(s) that disrupt this residue have been observed in individuals with COL4A5-related conditions (PMID: 11223851, 8940267, Invitae), which suggests that this may be a clinically significant amino acid residue. This variant disrupts the triple helix domain of COL4A5. Glycine residues within the Gly-Xaa-Yaa repeats of the triple helix domain are required for the structure and stability of fibrillar collagens (PMID: 7695699, 8218237, 19344236). In COL4A5, missense variants at these glycine residues are significantly enriched in individuals with disease (PMID: 23720012, 27627812) compared to the general population (ExAC). For these reasons, this variant has been classified as Pathogenic.

Athena Diagnostics
Classification: Pathogenic. Last evaluated: 2018-09-14. Review status: criteria provided, single submitter. Criteria: Athena Diagnostics Criteria. Collection method: clinical testing. Allele origin: germline.
Comment: The variant disrupts a glycine residue in the canonical Gly-X-Y repeats of the triple helix domain, which are required for stability and structure of this protein. Therefore it is expected to severely affect the function of the protein. Found in at least one symptomatic patient, and not found in general population data.

PreventionGenetics, part of Exact Sciences
Classification: Likely pathogenic for COL4A5-related condition. Last evaluated: 2024-03-07. Review status: no assertion criteria provided. Collection method: clinical testing. Allele origin: germline. Not counted in ClinVar's aggregate classification.
Comment: The COL4A5 c.3197G>T variant is predicted to result in the amino acid substitution p.Gly1066Val. To our knowledge, this variant has not been reported in the literature or in a large population database, indicating this variant is rare. The p.Gly1066 residue resides in the triple-helical region (residues 42 – 1456) of the COL4A5 protein. The majority of pathogenic variants in COL4A5 substitute a glycine residue to a bulkier amino acid in the triple-helical domain (Hudson et al. 1993. PubMed ID: 8253711). Alternate nucleotide changes affecting the same amino acid (p.Gly1066Ser, p.Gly1066Arg, p.Gly1066Ala) have been reported to be pathogenic for Alport syndrome (Martin et al. 1998. PubMed ID: 9848783; Knebelmann et al. 1996. PubMed ID: 8940267; Barker et al. 2001. PubMed ID: 11223851). This variant is interpreted as likely pathogenic.

Literature cited by the submitters: PubMed 11223851 (cited by Labcorp Genetics (formerly Invitae), Labcorp); PubMed 8940267 (cited by Labcorp Genetics (formerly Invitae), Labcorp); PubMed 7695699 (cited by Labcorp Genetics (formerly Invitae), Labcorp); PubMed 8218237 (cited by Labcorp Genetics (formerly Invitae), Labcorp); PubMed 19344236 (cited by Labcorp Genetics (formerly Invitae), Labcorp); PubMed 23720012 (cited by Labcorp Genetics (formerly Invitae), Labcorp); PubMed 27627812 (cited by Labcorp Genetics (formerly Invitae), Labcorp).

NM_033380.3(COL4A5):c.3197G>T (p.Gly1066Val)

Gene: COL4A5 (collagen type IV alpha 5 chain; plus strand). Cytogenetic location: Xq22.3.
Variant type: single nucleotide variant.
Coding change: c.3197G>T on transcript NM_033380.3 (MANE Select); coding-DNA position 3197, G replaced by T.
Protein change: p.Gly1066Val; replaces glycine 1066 with valine.
Molecular consequence: missense variant.
Genome position (GRCh38, 1-based): chrX:108,626,300, G>T. VCF-style: chrX-108626300-G-T. GRCh37 (hg19) VCF-style: chrX-107869530-G-T.
Other names: c.3197G>T, p.Gly1066Val (NM_000495.5); c.3197G>T (NM_000495.4); short protein forms G1066V.
Identifiers: ClinVar variation 804587 (VCV000804587.11), dbSNP rs104886221, ClinGen allele CA413855024.